The following is an entry in ClinVar:

NM_004333.6(BRAF):c.1066C>G (p.Gln356Glu)

Genes: BRAF (B-Raf proto-oncogene, serine/threonine kinase; minus strand), LOC126860202 (BRD4-independent group 4 enhancer GRCh37_chr7:140493623-140494822; plus strand). Cytogenetic location: 7q34.
Variant type: single nucleotide variant.
Coding change: c.1066C>G on transcript NM_004333.6 (MANE Select); coding-DNA position 1066, C replaced by G.
Protein change: p.Gln356Glu; replaces glutamine 356 with glutamic acid.
Molecular consequence: missense variant.
Genome position (GRCh38, 1-based): chr7:140,794,382, G>C on the plus strand (C>G on the coding strand, the complement: BRAF is on the minus strand). VCF-style: chr7-140794382-G-C. GRCh37 (hg19) VCF-style: chr7-140494182-G-C.
Other names: c.1066C>G, p.Gln356Glu (NM_001354609.2, NM_001374244.1, NM_001374258.1 and 4 more transcripts); c.1075C>G, p.Gln359Glu (NM_001378467.1); c.910C>G, p.Gln304Glu (NM_001378472.1, NM_001378473.1); c.802C>G, p.Gln268Glu (NM_001378475.1); c.964C>G, p.Gln322Glu (NM_001378470.1); short protein forms Q268E, Q322E, Q304E, Q356E, Q359E.
Identifiers: ClinVar variation 910576 (VCV000910576.5), dbSNP rs151308995, ClinGen allele CA4516822.

ClinVar aggregate classification (germline): Uncertain significance. Review status: criteria provided, multiple submitters, no conflicts (2 of 4 stars). 3 submissions from 2 submitters: Uncertain significance (3). Last evaluated 2025-08-09.

Conditions:
Noonan syndrome 7 (NS7). Also called: BRAF-Related Noonan Syndrome. Identifiers: Orphanet 648, MedGen C3150970, MONDO:0013379, OMIM 613706.
Cardiovascular phenotype. Identifiers: MedGen CN230736.
LEOPARD syndrome 3 (LPRD3). Identifiers: Orphanet 500, MedGen C3150971, MONDO:0013380, OMIM 613707.

Allele frequency attached by ClinVar (database versions not stated): gnomAD exomes below 0.00001; ExAC 0.00001; TOPMed 0.00001; ESP Exome Variant Server 0.00008.
gnomAD v4.1: 1 of 1,613,966 alleles (0.000062%); highest among the groups gnomAD compares: Non-Finnish European, 0.000085%; no homozygotes.

Submissions (3):

Ambry Genetics
Classification: Uncertain significance for Cardiovascular phenotype. Last evaluated: 2025-08-09. Review status: criteria provided, single submitter. Criteria: Ambry Variant Classification Scheme 2023. Collection method: clinical testing. Allele origin: germline.
Comment: The p.Q356E variant (also known as c.1066C>G), located in coding exon 8 of the BRAF gene, results from a C to G substitution at nucleotide position 1066. The glutamine at codon 356 is replaced by glutamic acid, an amino acid with highly similar properties. This amino acid position is conserved. In addition, the in silico prediction for this alteration is inconclusive. Based on the available evidence, the clinical significance of this variant remains unclear.

Illumina Laboratory Services, Illumina
Classification: Uncertain significance for Noonan syndrome 7. Last evaluated: 2017-04-27. Review status: criteria provided, single submitter. Criteria: ICSL Variant Classification Criteria 13 December 2019. Collection method: clinical testing. Allele origin: germline.

Illumina Laboratory Services, Illumina
Classification: Uncertain significance for LEOPARD syndrome 3. Last evaluated: 2017-04-27. Review status: criteria provided, single submitter. Criteria: ICSL Variant Classification Criteria 13 December 2019. Collection method: clinical testing. Allele origin: germline.